The following is an entry in ClinVar:

ClinVar aggregate classification (germline): Likely benign. Review status: criteria provided, multiple submitters, no conflicts (2 of 4 stars). 3 submissions from 3 submitters: Likely benign (3). Last evaluated 2026-03-27.

Conditions:
Familial thoracic aortic aneurysm and aortic dissection (TAAD). Also called: Thoracic aortic aneurysms and dissections. Identifiers: Orphanet 91387, MedGen C4707243, MONDO:0019625.

gnomAD v4.1: 7 of 1,613,786 alleles (0.00043%); highest among the groups gnomAD compares: Non-Finnish European, 0.00059%; no homozygotes.

Submissions (3):

Molecular Diagnostic Laboratory for Inherited Cardiovascular Disease, Montreal Heart Institute
Classification: Likely benign. Last evaluated: 2026-03-27. Review status: criteria provided, single submitter. Criteria: ACMG Guidelines, 2015. Collection method: clinical testing. Allele origin: germline. Affected: no.

Mayo Clinic Laboratories, Mayo Clinic
Classification: Likely benign. Last evaluated: 2025-02-04. Review status: criteria provided, single submitter. Criteria: ACMG Guidelines, 2015. Collection method: clinical testing. Allele origin: germline. Observed: 2 variant alleles.
Comment: BP4, BP7

Ambry Genetics
Classification: Likely benign for Familial thoracic aortic aneurysm and aortic dissection. Last evaluated: 2024-06-09. Review status: criteria provided, single submitter. Criteria: Ambry Variant Classification Scheme 2023. Collection method: clinical testing. Allele origin: germline.

NM_000393.5(COL5A2):c.630A>G (p.Leu210=)

Gene: COL5A2 (collagen type V alpha 2 chain; minus strand). Cytogenetic location: 2q32.2.
Variant type: single nucleotide variant.
Coding change: c.630A>G on transcript NM_000393.5 (MANE Select); coding-DNA position 630, A replaced by G.
Protein change: p.Leu210=; no amino-acid change (leucine 210 retained).
Molecular consequence: synonymous variant.
Genome position (GRCh38, 1-based): chr2:189,088,710, T>C on the plus strand (A>G on the coding strand, the complement: COL5A2 is on the minus strand). VCF-style: chr2-189088710-T-C. GRCh37 (hg19) VCF-style: chr2-189953436-T-C.
Other names: p.Leu210=; c.630A>G (NM_000393.4).
Identifiers: ClinVar variation 3268767 (VCV003268767.3).